The following is an entry in ClinVar:

ClinVar aggregate classification (germline): Benign/Likely benign. Review status: criteria provided, multiple submitters, no conflicts (2 of 4 stars). 10 submissions from 10 submitters: Benign (3); Likely benign (5). 2 of the submissions do not count toward it. Last evaluated 2026-08-01.

Conditions:
HARS2-related disorder. Also called: HARS2-related condition.
Perrault syndrome 2 (PRLTS2). Identifiers: Orphanet 2855, Orphanet 642976, MedGen C3554105, MONDO:0013972, OMIM 614926.

Allele frequency attached by ClinVar (database versions not stated): 1000 Genomes Project 0.00140; 1000 Genomes Project 30x 0.00156; gnomAD 0.00162; TOPMed 0.00251; ESP Exome Variant Server 0.00354.
gnomAD v4.1: 4,935 of 1,613,586 alleles (0.31%); highest among the groups gnomAD compares: Non-Finnish European, 0.38%; 10 homozygotes.

Submissions (10):

CeGaT Center for Human Genetics Tuebingen
Classification: Likely benign. Last evaluated: 2026-08-01. Review status: criteria provided, single submitter. Criteria: CeGaT Center For Human Genetics Tuebingen Variant Classification Criteria Version 2. Collection method: clinical testing. Allele origin: germline. Affected: yes. Observed: 9 variant alleles.
Comment: HARS2: BP4, BP7

Labcorp Genetics (formerly Invitae), Labcorp
Classification: Benign. Last evaluated: 2026-01-14. Review status: criteria provided, single submitter. Criteria: Invitae Variant Classification Sherloc (09022015). Collection method: clinical testing. Allele origin: germline.

Blueprint Genetics
Classification: Likely benign. Last evaluated: 2024-11-19. Review status: criteria provided, single submitter. Criteria: ACMG Guidelines, 2015. Collection method: clinical testing. Allele origin: germline.

Fulgent Genetics
Classification: Likely benign for Perrault syndrome 2. Last evaluated: 2021-07-30. Review status: criteria provided, single submitter. Criteria: ACMG Guidelines, 2015. Collection method: clinical testing. Allele origin: unknown.

Eurofins Ntd Llc (ga)
Classification: Likely benign. Last evaluated: 2016-08-30. Review status: criteria provided, single submitter. Criteria: EGL Classification Definitions 2015. Collection method: clinical testing. Allele origin: germline. Observed: 1 variant allele, 1 heterozygote.

Laboratory for Molecular Medicine, Mass General Brigham Personalized Medicine
Classification: Benign. Last evaluated: 2014-11-24. Review status: criteria provided, single submitter. Criteria: LMM Criteria. Collection method: clinical testing. Allele origin: germline. Observed: 3 variant alleles.
Comment: Tyr108Tyr in exon 4 of HARS2: This variant is not expected to have clinical sign ificance because it does not alter an amino acid residue and is not located with in the splice consensus sequence. It has been identified in 0.5% (41/8600) of Eu ropean American chromosomes from a broad population by the NHLBI Exome Sequencin g Project (dbSNP rs143687204).

GeneDx
Classification: Benign. Last evaluated: 2014-03-31. Review status: criteria provided, single submitter. Criteria: GeneDx Variant Classification (06012015). Collection method: clinical testing. Allele origin: germline. Affected: yes.
Comment: This variant is considered likely benign or benign based on one or more of the following criteria: it is a conservative change, it occurs at a poorly conserved position in the protein, it is predicted to be benign by multiple in silico algorithms, and/or has population frequency not consistent with disease.

Breakthrough Genomics
Classification: Likely benign. Review status: criteria provided, single submitter. Criteria: ACMG Guidelines, 2015. Collection method: not provided. Allele origin: germline. Inheritance: Autosomal recessive inheritance. Affected: yes.

PreventionGenetics, part of Exact Sciences
Classification: Likely benign for HARS2-related condition. Last evaluated: 2019-06-15. Review status: no assertion criteria provided. Collection method: clinical testing. Allele origin: germline. Not counted in ClinVar's aggregate classification.
Comment: This variant is classified as likely benign based on ACMG/AMP sequence variant interpretation guidelines (Richards et al. 2015 PMID: 25741868, with internal and published modifications).

Mayo Clinic Laboratories, Mayo Clinic
Classification: Likely benign. Last evaluated: 2017-06-30. Review status: no assertion criteria provided. Collection method: clinical testing. Allele origin: unknown. Not counted in ClinVar's aggregate classification.

NM_012208.4(HARS2):c.324T>C (p.Tyr108=)

Gene: HARS2 (histidyl-tRNA synthetase 2, mitochondrial; plus strand). Cytogenetic location: 5q31.3.
Variant type: single nucleotide variant.
Coding change: c.324T>C on transcript NM_012208.4 (MANE Select); coding-DNA position 324, T replaced by C.
Protein change: p.Tyr108=; no amino-acid change (tyrosine 108 retained).
Molecular consequence: synonymous variant. On other transcripts: intron variant (1).
Genome position (GRCh38, 1-based): chr5:140,694,205, T>C. VCF-style: chr5-140694205-T-C. GRCh37 (hg19) VCF-style: chr5-140073790-T-C.
Other names: p.Y108Y:TAT>TAC; c.249T>C, p.Tyr83= (NM_001278731.2); c.342T>C, p.Tyr114= (NM_001363535.2); c.114T>C, p.Tyr38= (NM_001363536.2); c.93+151T>C (NM_001278732.2).
Identifiers: ClinVar variation 137534 (VCV000137534.43), dbSNP rs143687204, ClinGen allele CA291161.